The following is an entry in ClinVar:

NM_001353345.2(SETD1B):c.3804G>A (p.Pro1268=)

Gene: SETD1B (SET domain containing 1B, histone lysine methyltransferase; plus strand). Cytogenetic location: 12q24.31.
Variant type: single nucleotide variant.
Coding change: c.3804G>A on transcript NM_001353345.2 (MANE Select); coding-DNA position 3804, G replaced by A.
Protein change: p.Pro1268=; no amino-acid change (proline 1268 retained).
Molecular consequence: synonymous variant.
Genome position (GRCh38, 1-based): chr12:121,819,789, G>A. VCF-style: chr12-121819789-G-A. GRCh37 (hg19) VCF-style: chr12-122257695-G-A.
Identifiers: ClinVar variation 4872060 (VCV004872060.2).

ClinVar aggregate classification (germline): Likely benign (1 of 4 stars; one submission).

Submission:

CeGaT Center for Human Genetics Tuebingen
Classification: Likely benign. Last evaluated: 2026-04-01. Review status: criteria provided, single submitter. Criteria: CeGaT Center For Human Genetics Tuebingen Variant Classification Criteria Version 2. Collection method: clinical testing. Allele origin: germline. Affected: yes. Observed: 1 variant allele.
Comment: SETD1B: BP4, BP7